The following is an entry in ClinVar:

NM_000038.6(APC):c.3905T>C (p.Leu1302Pro)

Gene: APC (APC regulator of Wnt signaling pathway; plus strand). Cytogenetic location: 5q22.2.
Variant type: single nucleotide variant.
Coding change: c.3905T>C on transcript NM_000038.6 (MANE Select); coding-DNA position 3905, T replaced by C.
Protein change: p.Leu1302Pro; replaces leucine 1302 with proline.
Molecular consequence: missense variant.
Genome position (GRCh38, 1-based): chr5:112,839,499, T>C. VCF-style: chr5-112839499-T-C. GRCh37 (hg19) VCF-style: chr5-112175196-T-C.
Other names: c.3905T>C, p.Leu1302Pro (NM_001127510.3, NM_001354895.2, NM_001407450.1); c.3851T>C, p.Leu1284Pro (NM_001127511.3); c.3959T>C, p.Leu1320Pro (NM_001354896.2, NM_001407447.1, NM_001407448.1 and 1 more transcripts); c.3935T>C, p.Leu1312Pro (NM_001354897.2); c.3830T>C, p.Leu1277Pro (NM_001354898.2); c.3821T>C, p.Leu1274Pro (NM_001354899.2); c.3782T>C, p.Leu1261Pro (NM_001354900.2); c.3728T>C, p.Leu1243Pro (NM_001354901.2, NM_001407453.1); and 11 more; short protein forms L1173P, L1176P, L1292P, L918P, L1201P, L1211P, L1219P, L1320P.
Identifiers: ClinVar variation 1736057 (VCV001736057.3), dbSNP rs2149901724, ClinGen allele CA16029901.
Genomic context (GRCh38, chr5:112,839,499, plus strand): 5'-CAGCTGAAGATGAAATAGGATGTAATCAGACGACACAGGAAGCAGATTCTGCTAATACCC[T>C]GCAAATAGCAGAAATAAAAGAAAAGATTGGAACTAGGTCAGCTGAAGATCCTGTGAGCGA-3'
Protein context (NP_000029.2, residues 1292-1312): TTQEADSANT[Leu1302Pro]QIAEIKEKIG

ClinVar aggregate classification (germline): Uncertain significance. Review status: criteria provided, multiple submitters, no conflicts (2 of 4 stars). 2 submissions from 2 submitters: Uncertain significance (2). Last evaluated 2025-09-15.

Conditions:
Hereditary cancer-predisposing syndrome. Also called: Neoplastic Syndromes, Hereditary; Tumor predisposition; Hereditary Cancer Syndrome; Hereditary neoplastic syndrome. Identifiers: Orphanet 140162, MedGen C0027672, MeSH D009386, MONDO:0015356.
Familial adenomatous polyposis 1 (FAP1). Also called: FAMILIAL ADENOMATOUS POLYPOSIS 1, ATTENUATED; POLYPOSIS, ADENOMATOUS INTESTINAL. Identifiers: MedGen C2713442, MONDO:0021056, OMIM 175100. Disease mechanism: loss of function.

Submissions (2):

Labcorp Genetics (formerly Invitae), Labcorp
Classification: Uncertain significance for Familial adenomatous polyposis 1. Last evaluated: 2025-09-15. Review status: criteria provided, single submitter. Criteria: Invitae Variant Classification Sherloc (09022015). Collection method: clinical testing. Allele origin: germline.
Comment: This sequence change replaces leucine, which is neutral and non-polar, with proline, which is neutral and non-polar, at codon 1302 of the APC protein (p.Leu1302Pro). This variant is not present in population databases (gnomAD no frequency). This variant has not been reported in the literature in individuals affected with APC-related conditions. ClinVar contains an entry for this variant (Variation ID: 1736057). Invitae Evidence Modeling of protein sequence and biophysical properties (such as structural, functional, and spatial information, amino acid conservation, physicochemical variation, residue mobility, and thermodynamic stability) indicates that this missense variant is not expected to disrupt APC protein function with a negative predictive value of 95%. In summary, the available evidence is currently insufficient to determine the role of this variant in disease. Therefore, it has been classified as a Variant of Uncertain Significance.

Ambry Genetics
Classification: Uncertain significance for Hereditary cancer-predisposing syndrome. Last evaluated: 2021-01-29. Review status: criteria provided, single submitter. Criteria: Ambry Variant Classification Scheme 2023. Collection method: clinical testing. Allele origin: germline.
Comment: The p.L1302P variant (also known as c.3905T>C), located in coding exon 15 of the APC gene, results from a T to C substitution at nucleotide position 3905. The leucine at codon 1302 is replaced by proline, an amino acid with similar properties. This amino acid position is well conserved in available vertebrate species. In addition, in silico predictors for this gene do not accurately predict pathogenicity. Since supporting evidence is limited at this time, the clinical significance of this alteration remains unclear.